The following is an entry in ClinVar:

ClinVar aggregate classification (germline): Uncertain significance (1 of 4 stars; one submission).

Conditions:
Dilated cardiomyopathy 1O (CMD1O). Also called: CARDIOMYOPATHY, DILATED, WITH VENTRICULAR TACHYCARDIA. Identifiers: Orphanet 154, MedGen C1837839, MONDO:0012062, OMIM 608569.

Submission:

Labcorp Genetics (formerly Invitae), Labcorp
Classification: Uncertain significance for Dilated cardiomyopathy 1O. Last evaluated: 2021-04-28. Review status: criteria provided, single submitter. Criteria: Invitae Variant Classification Sherloc (09022015). Collection method: clinical testing. Allele origin: germline.
Comment: Algorithms developed to predict the effect of missense changes on protein structure and function are either unavailable or do not agree on the potential impact of this missense change (SIFT: "Not Available"; PolyPhen-2: "Probably Damaging"; Align-GVGD: "Not Available"). In summary, the available evidence is currently insufficient to determine the role of this variant in disease. Therefore, it has been classified as a Variant of Uncertain Significance. This variant has not been reported in the literature in individuals with ABCC9-related conditions. The frequency data for this variant in the population databases is not available, as this variant may be reported as separate entries in the ExAC database. This sequence change replaces glycine with phenylalanine at codon 90 of the ABCC9 protein (p.Gly90Phe). The glycine residue is highly conserved and there is a large physicochemical difference between glycine and phenylalanine.

NM_020297.4(ABCC9):c.268_269delinsTT (p.Gly90Phe)

Gene: ABCC9 (ATP binding cassette subfamily C member 9; minus strand). Cytogenetic location: 12p12.1.
Variant type: Indel.
Coding change: c.268_269delinsTT on transcript NM_020297.4 (MANE Select); coding-DNA positions 268 to 269, GG replaced by TT.
Protein change: p.Gly90Phe; replaces glycine 90 with phenylalanine.
Molecular consequence: missense variant. On other transcripts: 5 prime UTR variant (1).
Genome position (GRCh38, 1-based): chr12:21,933,797-21,933,798, CC replaced by AA on the plus strand (GG replaced by TT on the coding strand, the reverse complement: ABCC9 is on the minus strand). VCF-style: chr12-21933797-CC-AA. GRCh37 (hg19) VCF-style: chr12-22086731-CC-AA.
Other names: c.268_269delinsTT, p.Gly90Phe (NM_001377273.1, NM_005691.4); c.-187_-186delinsTT (NM_001377274.1); short protein forms G90F.
Identifiers: ClinVar variation 1357051 (VCV001357051.6), dbSNP rs2138060575, ClinGen allele CA2573148492.
Genomic context (GRCh38, chr12:21,933,797, plus strand): 5'-CCCACTGGTATACTGCAGTGGTATTATTTAACTTAGATCACTTACGAGTCTGAAACAATG[CC>AA]TTCTGCTATTTCACAGACATGCACAAACAGGAGAGCGAATGTAAGAATCCATCTCAGGTT-3'
Protein context (NP_064693.2, residues 80-100): LFVHVCEIAE[Gly90Phe]IVSDSRRESR